The following is an entry in ClinVar:

NM_004830.4(MED23):c.397-2dup

Gene: MED23 (mediator complex subunit 23; minus strand). Cytogenetic location: 6q23.2.
Variant type: Duplication.
Coding change: c.397-2dup on transcript NM_004830.4 (MANE Select); the canonical splice acceptor site of the intron before coding-DNA position 397, one base duplicated (A; older notation c.397-2dupA).
Molecular consequence: splice acceptor variant.
Genome position (GRCh38, 1-based): chr6:131,621,981, T duplicated on the plus strand (A on the coding strand, the reverse complement: MED23 is on the minus strand). VCF-style (leftmost placement, unchanged base first): chr6-131621980-C-CT. GRCh37 (hg19) VCF-style: chr6-131943120-C-CT.
Other names: c.397-2dup (NM_001270521.2, NM_015979.4, NM_001376523.1 and 7 more transcripts); c.325-2dup (NM_001376518.1).
Identifiers: ClinVar variation 4535151 (VCV004535151.6).

ClinVar aggregate classification (germline): Uncertain significance (1 of 4 stars; one submission).

Submission:

CeGaT Center for Human Genetics Tuebingen
Classification: Uncertain significance. Last evaluated: 2025-11-01. Review status: criteria provided, single submitter. Criteria: CeGaT Center For Human Genetics Tuebingen Variant Classification Criteria Version 2. Collection method: clinical testing. Allele origin: germline. Affected: yes. Observed: 1 variant allele.
Comment: MED23: PM2, PVS1:Moderate